The following is an entry in ClinVar:

NM_000548.5(TSC2):c.2048C>A (p.Ser683Tyr)

Gene: TSC2 (TSC complex subunit 2; plus strand). Cytogenetic location: 16p13.3.
Variant type: single nucleotide variant.
Coding change: c.2048C>A on transcript NM_000548.5 (MANE Select); coding-DNA position 2048, C replaced by A.
Protein change: p.Ser683Tyr; replaces serine 683 with tyrosine.
Molecular consequence: missense variant.
Genome position (GRCh38, 1-based): chr16:2,071,885, C>A. VCF-style: chr16-2071885-C-A. GRCh37 (hg19) VCF-style: chr16-2121886-C-A.
Other names: c.2048C>A, p.Ser683Tyr (NM_001077183.3, NM_001114382.3, NM_001363528.2 and 3 more transcripts); c.1937C>A, p.Ser646Tyr (NM_001318827.2); c.1901C>A, p.Ser634Tyr (NM_001318829.2); c.1448C>A, p.Ser483Tyr (NM_001318831.2); c.2081C>A, p.Ser694Tyr (NM_001318832.2); short protein forms S646Y, S694Y, S634Y, S483Y, S683Y.
Identifiers: ClinVar variation 858920 (VCV000858920.11), dbSNP rs919334398, ClinGen allele CA276737795.

ClinVar aggregate classification (germline): Conflicting classifications of pathogenicity. Review status: criteria provided, conflicting classifications (1 of 4 stars). 3 submissions from 3 submitters: Uncertain significance (2); Likely benign (1). Last evaluated 2025-06-03.

Conditions:
Tuberous sclerosis 2 (TSC2). Identifiers: Orphanet 805, MedGen C1860707, MONDO:0013199, OMIM 613254.
Lymphangiomyomatosis (LAM). Also called: Lymphangioleiomyomatosis; Lymphangioleiomyomatosis, somatic. Identifiers: Orphanet 538, MedGen C0751674, MONDO:0011705, OMIM 606690.
Isolated focal cortical dysplasia type II (FCORD2). Also called: Focal cortical dysplasia type II; CORTICAL DYSPLASIA OF TAYLOR. Identifiers: Orphanet 268994, MedGen C1846385, MONDO:0011818, OMIM 607341, HP:0032051.
Hereditary cancer-predisposing syndrome. Also called: Hereditary neoplastic syndrome; Tumor predisposition; Neoplastic Syndromes, Hereditary; Hereditary Cancer Syndrome. Identifiers: Orphanet 140162, MedGen C0027672, MeSH D009386, MONDO:0015356.

Allele frequency attached by ClinVar (database versions not stated): TOPMed below 0.00001.
gnomAD v4.1: 1 of 1,597,164 alleles (0.000063%); highest among the groups gnomAD compares: Non-Finnish European, 0.000085%; no homozygotes.

Submissions (3):

Ambry Genetics
Classification: Likely benign for Hereditary cancer-predisposing syndrome. Last evaluated: 2025-06-03. Review status: criteria provided, single submitter. Criteria: Ambry Variant Classification Scheme 2023. Collection method: clinical testing. Allele origin: germline.

Labcorp Genetics (formerly Invitae), Labcorp
Classification: Uncertain significance for Tuberous sclerosis 2. Last evaluated: 2024-09-16. Review status: criteria provided, single submitter. Criteria: Invitae Variant Classification Sherloc (09022015). Collection method: clinical testing. Allele origin: germline.
Comment: This sequence change replaces serine, which is neutral and polar, with tyrosine, which is neutral and polar, at codon 683 of the TSC2 protein (p.Ser683Tyr). This variant is not present in population databases (gnomAD no frequency). This missense change has been observed in individual(s) with breast cancer (PMID: 35957908). ClinVar contains an entry for this variant (Variation ID: 858920). Invitae Evidence Modeling of protein sequence and biophysical properties (such as structural, functional, and spatial information, amino acid conservation, physicochemical variation, residue mobility, and thermodynamic stability) indicates that this missense variant is not expected to disrupt TSC2 protein function with a negative predictive value of 95%. In summary, the available evidence is currently insufficient to determine the role of this variant in disease. Therefore, it has been classified as a Variant of Uncertain Significance.

Fulgent Genetics
Classification: Uncertain significance for Lymphangiomyomatosis; Isolated focal cortical dysplasia type II; Tuberous sclerosis 2. Last evaluated: 2024-06-11. Review status: criteria provided, single submitter. Criteria: ACMG Guidelines, 2015. Collection method: clinical testing. Allele origin: germline.

Literature cited by the submitters: PubMed 35957908 (cited by Labcorp Genetics (formerly Invitae), Labcorp).